The following is an entry in ClinVar:

ClinVar aggregate classification (germline): Conflicting classifications of pathogenicity. Review status: criteria provided, conflicting classifications (1 of 4 stars). 3 submissions from 3 submitters: Uncertain significance (2); Benign (1). Last evaluated 2026-02-24.

Conditions:
Bethlem myopathy 1A. Also called: Bethlem Muscular Dystrophy; MYOPATHY, BENIGN CONGENITAL, WITH CONTRACTURES; Bethlem myopathy 1. Identifiers: Orphanet 610, MedGen CN029274, MONDO:0024530, OMIM 158810.

Allele frequency attached by ClinVar (database versions not stated): gnomAD 0.00009; gnomAD exomes 0.00009 and 0.00016; TOPMed 0.00009; ExAC 0.00010.
gnomAD v4.1: 149 of 1,614,170 alleles (0.0092%); highest among the groups gnomAD compares: East Asian, 0.045%; no homozygotes.

Submissions (3):

Women's Health and Genetics/Laboratory Corporation of America, LabCorp
Classification: Uncertain significance. Last evaluated: 2026-02-24. Review status: criteria provided, single submitter. Criteria: LabCorp Variant Classification Summary - May 2015. Collection method: clinical testing. Allele origin: germline.
Comment: Variant summary: COL6A3 c.5020G>A (p.Asp1674Asn) results in a conservative amino acid change in the encoded protein sequence. Algorithms developed to predict the effect of missense changes on protein structure and function are either unavailable or do not agree on the potential impact of this missense change. The variant allele was found at a frequency of 0.00016 in 251176 control chromosomes. This frequency is not significantly higher than estimated for disease-causing variants in COL6A3, allowing no conclusion about variant significance. c.5020G>A has been observed in an individual affected with Ullrich congenital muscular dystrophy, however they also harbored a homozygous missense variant in COL6A2 (Lampe_2005). This report does not provide unequivocal conclusions about association of the variant with Ullrich congenital muscular dystrophy. To our knowledge, no experimental evidence demonstrating an impact on protein function has been reported. The following publication has been ascertained in the context of this evaluation (PMID: 15689448). ClinVar contains an entry for this variant (Variation ID: 936617). Based on the evidence outlined above, the variant was classified as uncertain significance.

Labcorp Genetics (formerly Invitae), Labcorp
Classification: Benign for Bethlem myopathy 1A. Last evaluated: 2025-09-10. Review status: criteria provided, single submitter. Criteria: Invitae Variant Classification Sherloc (09022015). Collection method: clinical testing. Allele origin: germline.

Revvity Omics, Revvity
Classification: Uncertain significance. Last evaluated: 2020-02-29. Review status: criteria provided, single submitter. Criteria: ACMG Guidelines, 2015. Collection method: clinical testing. Allele origin: germline.

Literature cited by the submitters: PubMed 15689448 (cited by Women's Health and Genetics/Laboratory Corporation of America, LabCorp).

NM_004369.4(COL6A3):c.5020G>A (p.Asp1674Asn)

Gene: COL6A3 (collagen type VI alpha 3 chain; minus strand). Cytogenetic location: 2q37.3.
Variant type: single nucleotide variant.
Coding change: c.5020G>A on transcript NM_004369.4 (MANE Select); coding-DNA position 5020, G replaced by A.
Protein change: p.Asp1674Asn; replaces aspartic acid 1674 with asparagine.
Molecular consequence: missense variant.
Genome position (GRCh38, 1-based): chr2:237,367,167, C>T on the plus strand (G>A on the coding strand, the complement: COL6A3 is on the minus strand). VCF-style: chr2-237367167-C-T. GRCh37 (hg19) VCF-style: chr2-238275810-C-T.
Other names: c.3199G>A, p.Asp1067Asn (NM_057166.5); c.4402G>A, p.Asp1468Asn (NM_057167.4); short protein forms D1067N, D1674N, D1468N.
Identifiers: ClinVar variation 936617 (VCV000936617.12), dbSNP rs778940391, ClinGen allele CA2188755.